The following is an entry in ClinVar:

ClinVar aggregate classification (germline): Uncertain significance. Review status: criteria provided, multiple submitters, no conflicts (2 of 4 stars). 3 submissions from 3 submitters: Uncertain significance (3). Last evaluated 2024-02-01.

Conditions:
Familial melanoma. Also called: Hereditary melanoma; Hereditary cutaneous melanoma. Identifiers: Orphanet 618, MedGen C1512419, MONDO:0018961.

Allele frequency attached by ClinVar (database versions not stated): gnomAD 0.00001.
gnomAD v4.1: 1 of 1,603,920 alleles (0.000062%); highest among the groups gnomAD compares: African/African-American, 0.0013%; no homozygotes.

Submissions (3):

Labcorp Genetics (formerly Invitae), Labcorp
Classification: Uncertain significance for Familial melanoma. Last evaluated: 2024-02-01. Review status: criteria provided, single submitter. Criteria: Invitae Variant Classification Sherloc (09022015). Collection method: clinical testing. Allele origin: germline.
Comment: This sequence change replaces arginine, which is basic and polar, with proline, which is neutral and non-polar, at codon 80 of the CDKN2A (p16INK4a) protein (p.Arg80Pro). This variant is present in population databases (no rsID available, gnomAD 0.01%). This missense change has been observed in individual(s) with melanoma (PMID: 19260062, 21462282). An algorithm developed to predict the effect of missense changes on protein structure and function (PolyPhen-2) suggests that this variant is likely to be tolerated. In summary, the available evidence is currently insufficient to determine the role of this variant in disease. Therefore, it has been classified as a Variant of Uncertain Significance.

GeneDx
Classification: Uncertain significance. Last evaluated: 2023-09-14. Review status: criteria provided, single submitter. Criteria: GeneDx Variant Classification Process June 2021. Collection method: clinical testing. Allele origin: germline. Affected: yes.
Comment: Not observed at significant frequency in large population cohorts (gnomAD); In silico analysis supports that this missense variant has a deleterious effect on protein structure/function; Published functional studies demonstrate defective CDK4 binding (Kannengiesser et al., 2009); Reported in the literature in one patient with multiple primary melanoma and pancreatic cancer (Kannengiesser et al., 2009); This variant is associated with the following publications: (PMID: 19260062)

Revvity Omics, Revvity
Classification: Uncertain significance. Last evaluated: 2019-06-20. Review status: criteria provided, single submitter. Criteria: ACMG Guidelines, 2015. Collection method: clinical testing. Allele origin: germline.

Literature cited by the submitters: PubMed 19260062 (cited by Labcorp Genetics (formerly Invitae), Labcorp); PubMed 21462282 (cited by Labcorp Genetics (formerly Invitae), Labcorp).

NM_000077.5(CDKN2A):c.239G>C (p.Arg80Pro)

Gene: CDKN2A (cyclin dependent kinase inhibitor 2A; minus strand). Cytogenetic location: 9p21.3.
Variant type: single nucleotide variant.
Coding change: c.239G>C on transcript NM_000077.5; coding-DNA position 239, G replaced by C.
Protein change: p.Arg80Pro; replaces arginine 80 with proline.
Molecular consequence: missense variant (on NM_000077.6). On other transcripts: synonymous variant (1), 3 prime UTR variant (1).
Genome position (GRCh38, 1-based): chr9:21,971,120, C>G on the plus strand (G>C on the coding strand, the complement: CDKN2A is on the minus strand). VCF-style: chr9-21971120-C-G. GRCh37 (hg19) VCF-style: chr9-21971119-C-G.
Other names: c.239G>C, p.Arg80Pro (NM_000077.6, NM_001195132.2); c.86G>C, p.Arg29Pro (NM_001363763.2); c.282G>C, p.Pro94= (NM_058195.4); c.*162G>C (NM_058197.5); short protein forms R29P, R80P.
Identifiers: ClinVar variation 2688757 (VCV002688757.6), dbSNP rs1057519883, ClinGen allele CA373086254.